The following is an entry in ClinVar:

NM_015443.4(KANSL1):c.2830_2837+13del

Gene: KANSL1 (KAT8 regulatory NSL complex subunit 1). Cytogenetic location: 17q21.31.
Variant type: Deletion.
Coding change: c.2830_2837+13del on transcript NM_015443.4 (MANE Select); coding-DNA position 2830 through 13 bases into the intron after coding-DNA position 2837, this stretch deleted.
Molecular consequence: splice donor variant.
Genome position: GRCh38 VCF-style: chr17-46033066-GCCTGCCCCATCACCTGCTGCC-G. GRCh37 (hg19) VCF-style: chr17-44110432-GCCTGCCCCATCACCTGCTGCC-G.
Other names: c.2830_2837+13delGGCAGCAGGTGATGGGGCAGG (NM_001193466.1); c.2827_2834+13del (NM_001193465.2); c.2830_2837+13del (NM_001379198.1, NM_001193466.2).
Identifiers: ClinVar variation 423195 (VCV000423195.3), dbSNP rs1064796289, ClinGen allele CA16620457.
Genomic context (GRCh38, chr17:46,033,066, plus strand): 5'-GGACTCAAGTAGGGCCCAAACTCCCTGTCCACCCTCTCTCCACAGGCCCTGGGGACCCAA[GCCTGCCCCATCACCTGCTGCC>G]CCGCCGCTGGGGTGGCACACTCGTGGTCCACAGCCACCGTGCCCTCTCCATCTCCTCACA-3'

ClinVar aggregate classification (germline): Pathogenic (1 of 4 stars; one submission).

Submission:

GeneDx
Classification: Pathogenic. Last evaluated: 2019-11-21. Review status: criteria provided, single submitter. Criteria: GeneDx Variant Classification Process June 2021. Collection method: clinical testing. Allele origin: germline. Affected: yes.
Comment: Canonical splice site variant in a gene for which loss-of-function is a known mechanism of disease; Not observed in large population cohorts (Lek et al., 2016); Has not been previously published as pathogenic or benign to our knowledge